The following is an entry in ClinVar:

NM_001365999.1(SZT2):c.2083C>T (p.His695Tyr)

Gene: SZT2 (SZT2 subunit of KICSTOR complex; plus strand). Cytogenetic location: 1p34.2.
Variant type: single nucleotide variant.
Coding change: c.2083C>T on transcript NM_001365999.1 (MANE Select); coding-DNA position 2083, C replaced by T.
Protein change: p.His695Tyr; replaces histidine 695 with tyrosine.
Molecular consequence: missense variant.
Genome position (GRCh38, 1-based): chr1:43,423,144, C>T. VCF-style: chr1-43423144-C-T. GRCh37 (hg19) VCF-style: chr1-43888815-C-T.
Other names: c.2083C>T, p.His695Tyr (NM_015284.4); short protein forms H695Y.
Identifiers: ClinVar variation 1041695 (VCV001041695.8), dbSNP rs1652623950, ClinGen allele CA340011007.

ClinVar aggregate classification (germline): Uncertain significance (1 of 4 stars; one submission).

Submission:

Labcorp Genetics (formerly Invitae), Labcorp
Classification: Uncertain significance. Last evaluated: 2020-07-09. Review status: criteria provided, single submitter. Criteria: Invitae Variant Classification Sherloc (09022015). Collection method: clinical testing. Allele origin: germline.
Comment: This sequence change replaces histidine with tyrosine at codon 695 of the SZT2 protein (p.His695Tyr). The histidine residue is moderately conserved and there is a moderate physicochemical difference between histidine and tyrosine. This variant is not present in population databases (ExAC no frequency). In summary, the available evidence is currently insufficient to determine the role of this variant in disease. Therefore, it has been classified as a Variant of Uncertain Significance. Algorithms developed to predict the effect of missense changes on protein structure and function are either unavailable or do not agree on the potential impact of this missense change (SIFT: "Tolerated"; PolyPhen-2: "Probably Damaging"; Align-GVGD: "Class C0"). This variant has not been reported in the literature in individuals with SZT2-related conditions.